The following is an entry in ClinVar:

NM_006231.4(POLE):c.1496C>G (p.Thr499Ser)

Gene: POLE (DNA polymerase epsilon, catalytic subunit; minus strand). Cytogenetic location: 12q24.33.
Variant type: single nucleotide variant.
Coding change: c.1496C>G on transcript NM_006231.4 (MANE Select); coding-DNA position 1496, C replaced by G.
Protein change: p.Thr499Ser; replaces threonine 499 with serine.
Molecular consequence: missense variant.
Genome position (GRCh38, 1-based): chr12:132,672,817, G>C on the plus strand (C>G on the coding strand, the complement: POLE is on the minus strand). VCF-style: chr12-132672817-G-C. GRCh37 (hg19) VCF-style: chr12-133249403-G-C.
Other names: short protein forms T499S.
Identifiers: ClinVar variation 1043887 (VCV001043887.10), dbSNP rs2042961569, ClinGen allele CA387357646.

ClinVar aggregate classification (germline): Uncertain significance. Review status: criteria provided, multiple submitters, no conflicts (2 of 4 stars). 3 submissions from 3 submitters: Uncertain significance (3). Last evaluated 2025-05-17.

Conditions:
Hereditary cancer-predisposing syndrome. Also called: Hereditary Cancer Syndrome; Tumor predisposition; Hereditary neoplastic syndrome; Neoplastic Syndromes, Hereditary. Identifiers: Orphanet 140162, MedGen C0027672, MeSH D009386, MONDO:0015356.

Submissions (3):

Ambry Genetics
Classification: Uncertain significance for Hereditary cancer-predisposing syndrome. Last evaluated: 2025-05-17. Review status: criteria provided, single submitter. Criteria: Ambry Variant Classification Scheme 2023. Collection method: clinical testing. Allele origin: germline.
Comment: The p.T499S variant (also known as c.1496C>G), located in coding exon 15 of the POLE gene, results from a C to G substitution at nucleotide position 1496. The threonine at codon 499 is replaced by serine, an amino acid with similar properties. This amino acid position is conserved. In addition, the in silico prediction for this alteration is inconclusive. Since supporting evidence is limited at this time, the clinical significance of this alteration remains unclear.

Labcorp Genetics (formerly Invitae), Labcorp
Classification: Uncertain significance. Last evaluated: 2023-09-21. Review status: criteria provided, single submitter. Criteria: Invitae Variant Classification Sherloc (09022015). Collection method: clinical testing. Allele origin: germline.
Comment: This variant has not been reported in the literature in individuals affected with POLE-related conditions. This variant is not present in population databases (gnomAD no frequency). This sequence change replaces threonine, which is neutral and polar, with serine, which is neutral and polar, at codon 499 of the POLE protein (p.Thr499Ser). ClinVar contains an entry for this variant (Variation ID: 1043887). In summary, the available evidence is currently insufficient to determine the role of this variant in disease. Therefore, it has been classified as a Variant of Uncertain Significance. Advanced modeling of protein sequence and biophysical properties (such as structural, functional, and spatial information, amino acid conservation, physicochemical variation, residue mobility, and thermodynamic stability) performed at Invitae indicates that this missense variant is expected to disrupt POLE protein function.

GeneDx
Classification: Uncertain significance. Last evaluated: 2022-09-22. Review status: criteria provided, single submitter. Criteria: GeneDx Variant Classification Process June 2021. Collection method: clinical testing. Allele origin: germline. Affected: yes.
Comment: Not observed at significant frequency in large population cohorts (gnomAD); In silico analysis supports that this missense variant has a deleterious effect on protein structure/function; Has not been previously published as pathogenic or benign to our knowledge